The following is an entry in ClinVar:

NM_006005.3(WFS1):c.2119G>T (p.Val707Phe)

Gene: WFS1 (wolframin ER transmembrane glycoprotein; plus strand). Cytogenetic location: 4p16.1.
Variant type: single nucleotide variant.
Coding change: c.2119G>T on transcript NM_006005.3 (MANE Select); coding-DNA position 2119, G replaced by T.
Protein change: p.Val707Phe; replaces valine 707 with phenylalanine.
Molecular consequence: missense variant.
Genome position (GRCh38, 1-based): chr4:6,301,914, G>T. VCF-style: chr4-6301914-G-T. GRCh37 (hg19) VCF-style: chr4-6303641-G-T.
Other names: c.2119G>T, p.Val707Phe (NM_001145853.1); short protein forms V707F.
Identifiers: ClinVar variation 2627560 (VCV002627560.4), dbSNP rs71524377, ClinGen allele CA259830.

ClinVar aggregate classification (germline): Uncertain significance (1 of 4 stars; one submission).

Submission:

Labcorp Genetics (formerly Invitae), Labcorp
Classification: Uncertain significance. Last evaluated: 2023-03-25. Review status: criteria provided, single submitter. Criteria: Invitae Variant Classification Sherloc (09022015). Collection method: clinical testing. Allele origin: germline.
Comment: In summary, the available evidence is currently insufficient to determine the role of this variant in disease. Therefore, it has been classified as a Variant of Uncertain Significance. ClinVar contains an entry for this variant (Variation ID: 30552). Advanced modeling of protein sequence and biophysical properties (such as structural, functional, and spatial information, amino acid conservation, physicochemical variation, residue mobility, and thermodynamic stability) performed at Invitae indicates that this missense variant is expected to disrupt WFS1 protein function. This variant is not present in population databases (gnomAD no frequency). This sequence change replaces valine, which is neutral and non-polar, with phenylalanine, which is neutral and non-polar, at codon 707 of the WFS1 protein (p.Val707Phe). This missense change has been observed in individual(s) with autosomal dominant hearing loss (PMID: 32382995; Invitae).

Literature cited by the submitters: PubMed 32382995.